The following is an entry in ClinVar:

ClinVar aggregate classification (germline): Uncertain significance. Review status: criteria provided, multiple submitters, no conflicts (2 of 4 stars). 2 submissions from 2 submitters: Uncertain significance (2). Last evaluated 2026-04-01.

Allele frequency attached by ClinVar (database versions not stated): gnomAD exomes below 0.00001.
gnomAD v4.1: 1 of 1,614,068 alleles (0.000062%); highest among the groups gnomAD compares: Non-Finnish European, 0.000085%; no homozygotes.

Submissions (2):

GeneDx
Classification: Uncertain significance. Last evaluated: 2026-04-01. Review status: criteria provided, single submitter. Criteria: GeneDx Variant Classification Process June 2021. Collection method: clinical testing. Allele origin: germline.
Comment: Not observed at significant frequency in large population cohorts (gnomAD); In silico analysis supports that this missense variant has a deleterious effect on protein structure/function; Has not been previously published as pathogenic or benign to our knowledge

Labcorp Genetics (formerly Invitae), Labcorp
Classification: Uncertain significance. Last evaluated: 2025-03-29. Review status: criteria provided, single submitter. Criteria: Invitae Variant Classification Sherloc (09022015). Collection method: clinical testing. Allele origin: germline.
Comment: This sequence change replaces proline, which is neutral and non-polar, with leucine, which is neutral and non-polar, at codon 1822 of the SCN3A protein (p.Pro1822Leu). This variant is not present in population databases (gnomAD no frequency). This variant has not been reported in the literature in individuals affected with SCN3A-related conditions. ClinVar contains an entry for this variant (Variation ID: 1717650). Invitae Evidence Modeling of protein sequence and biophysical properties (such as structural, functional, and spatial information, amino acid conservation, physicochemical variation, residue mobility, and thermodynamic stability) indicates that this missense variant is not expected to disrupt SCN3A protein function with a negative predictive value of 80%. In summary, the available evidence is currently insufficient to determine the role of this variant in disease. Therefore, it has been classified as a Variant of Uncertain Significance.

NM_006922.4(SCN3A):c.5465C>T (p.Pro1822Leu)

Gene: SCN3A (sodium voltage-gated channel alpha subunit 3; minus strand). Cytogenetic location: 2q24.3.
Variant type: single nucleotide variant.
Coding change: c.5465C>T on transcript NM_006922.4 (MANE Select); coding-DNA position 5465, C replaced by T.
Protein change: p.Pro1822Leu; replaces proline 1822 with leucine.
Molecular consequence: missense variant.
Genome position (GRCh38, 1-based): chr2:165,090,688, G>A on the plus strand (C>T on the coding strand, the complement: SCN3A is on the minus strand). VCF-style: chr2-165090688-G-A. GRCh37 (hg19) VCF-style: chr2-165947198-G-A.
Other names: c.5318C>T, p.Pro1773Leu (NM_001081676.2, NM_001081677.2); c.5465C>T (NM_006922.3); short protein forms P1773L, P1822L.
Identifiers: ClinVar variation 1717650 (VCV001717650.6), dbSNP rs1685051718, ClinGen allele CA349012246.
Genomic context (GRCh38, chr2:165,090,688, plus strand): 5'-ACCATGGGCAGATCCATGGCAATAAGCTGGACTTTGTTGGGTTTTGCTATGAGAAGAGGA[G>A]GATCCAGGGCAGCTGCAAAATCAGAGAGTTTAGAGAACTCTATAAACTGGGTCGCATCGG-3'
Protein context (NP_008853.3, residues 1812-1832): KLSDFAAALD[Pro1822Leu]PLLIAKPNKV